The following is an entry in ClinVar:

NM_006306.4(SMC1A):c.682C>A (p.Leu228Ile)

Gene: SMC1A (structural maintenance of chromosomes 1A; minus strand). Cytogenetic location: Xp11.22.
Variant type: single nucleotide variant.
Coding change: c.682C>A on transcript NM_006306.4 (MANE Select); coding-DNA position 682, C replaced by A.
Protein change: p.Leu228Ile; replaces leucine 228 with isoleucine.
Molecular consequence: missense variant.
Genome position (GRCh38, 1-based): chrX:53,413,072, G>T on the plus strand (C>A on the coding strand, the complement: SMC1A is on the minus strand). VCF-style: chrX-53413072-G-T. GRCh37 (hg19) VCF-style: chrX-53440022-G-T.
Other names: c.616C>A, p.Leu206Ile (NM_001281463.1); short protein forms L206I, L228I.
Identifiers: ClinVar variation 2632768 (VCV002632768.1), dbSNP rs2520961952, ClinGen allele CA413258799.
Genomic context (GRCh38, chrX:53,413,072, plus strand): 5'-CCTTGTTCTTTGAGGCCAGTTCCTTGTTGAGCTTCTCAATTTCCACTTCATTATGGTAAA[G>T]CTTAAAGAGCTGCAGCTGTACCTGAGCCCGTACTACCTCATCCTTCAGGCGCTGGTACCG-3'
Protein context (NP_006297.2, residues 218-238): RAQVQLQLFK[Leu228Ile]YHNEVEIEKL

ClinVar aggregate classification (germline): Uncertain significance (1 of 4 stars; one submission).

Conditions:
SMC1A-related disorder. Also called: SMC1A-related condition.

Submission:

PreventionGenetics, part of Exact Sciences
Classification: Uncertain significance for SMC1A-related condition. Last evaluated: 2023-06-19. Review status: criteria provided, single submitter. Criteria: ACMG Guidelines, 2015. Collection method: clinical testing. Allele origin: germline.
Comment: The SMC1A c.682C>A variant is predicted to result in the amino acid substitution p.Leu228Ile. To our knowledge, this variant has not been reported in the literature or in a large population database, indicating this variant is rare. At this time, the clinical significance of this variant is uncertain due to the absence of conclusive functional and genetic evidence.